The following is an entry in ClinVar:

ClinVar aggregate classification (germline): Uncertain significance (1 of 4 stars; one submission).

Allele frequency attached by ClinVar (database versions not stated): gnomAD exomes below 0.00001.

Submission:

CeGaT Center for Human Genetics Tuebingen
Classification: Uncertain significance. Last evaluated: 2022-07-01. Review status: criteria provided, single submitter. Criteria: CeGaT Center For Human Genetics Tuebingen Variant Classification Criteria Version 2. Collection method: clinical testing. Allele origin: germline. Affected: yes. Observed: 1 variant allele.
Comment: KMT2E: PM2

NM_182931.3(KMT2E):c.3521C>G (p.Ser1174Cys)

Gene: KMT2E (lysine methyltransferase 2E (inactive); plus strand). Cytogenetic location: 7q22.3.
Variant type: single nucleotide variant.
Coding change: c.3521C>G on transcript NM_182931.3 (MANE Select); coding-DNA position 3521, C replaced by G.
Protein change: p.Ser1174Cys; replaces serine 1174 with cysteine.
Molecular consequence: missense variant.
Genome position (GRCh38, 1-based): chr7:105,108,994, C>G. VCF-style: chr7-105108994-C-G. GRCh37 (hg19) VCF-style: chr7-104749441-C-G.
Other names: c.3521C>G, p.Ser1174Cys (NM_001410908.1, NM_018682.4); short protein forms S1174C.
Identifiers: ClinVar variation 2657911 (VCV002657911.24), dbSNP rs2536513928, ClinGen allele CA368790044.